The following is an entry in ClinVar:

NM_182914.3(SYNE2):c.11441A>G (p.Tyr3814Cys)

Gene: SYNE2 (spectrin repeat containing nuclear envelope protein 2; plus strand). Cytogenetic location: 14q23.2.
Variant type: single nucleotide variant.
Coding change: c.11441A>G on transcript NM_182914.3 (MANE Select); coding-DNA position 11441, A replaced by G.
Protein change: p.Tyr3814Cys; replaces tyrosine 3814 with cysteine.
Molecular consequence: missense variant.
Genome position (GRCh38, 1-based): chr14:64,081,537, A>G. VCF-style: chr14-64081537-A-G. GRCh37 (hg19) VCF-style: chr14-64548255-A-G.
Other names: c.11441A>G, p.Tyr3814Cys (NM_015180.6); short protein forms Y3814C.
Identifiers: ClinVar variation 470917 (VCV000470917.8), dbSNP rs780583186, ClinGen allele CA7221778.
Genomic context (GRCh38, chr14:64,081,537, plus strand): 5'-TGAAGAGCACTGAGGCTTGGATAGAAAATACCAGTCATTTGCTGGCCAATCCTGCTGACT[A>G]TGACTCTTTGAGGACACTGAGTCACCATGCTAGCACTGTGCAGGTAAGTGTTCTTCCAGG-3'
Protein context (NP_878918.2, residues 3804-3824): TSHLLANPAD[Tyr3814Cys]DSLRTLSHHA

ClinVar aggregate classification (germline): Uncertain significance (1 of 4 stars; one submission).

Conditions:
Emery-Dreifuss muscular dystrophy 5, autosomal dominant (EDMD5). Also called: EMERY-DREIFUSS MUSCULAR DYSTROPHY 5. Identifiers: Orphanet 261, MedGen C2751805, MONDO:0013072, OMIM 612999.

Allele frequency attached by ClinVar (database versions not stated): ExAC 0.00001; gnomAD exomes 0.00001; gnomAD 0.00003; TOPMed 0.00003.
gnomAD v4.1: 22 of 1,614,068 alleles (0.0014%); highest among the groups gnomAD compares: African/African-American, 0.012%; no homozygotes.

Submission:

Labcorp Genetics (formerly Invitae), Labcorp
Classification: Uncertain significance for Emery-Dreifuss muscular dystrophy 5, autosomal dominant. Last evaluated: 2024-05-07. Review status: criteria provided, single submitter. Criteria: Invitae Variant Classification Sherloc (09022015). Collection method: clinical testing. Allele origin: germline.
Comment: This sequence change replaces tyrosine, which is neutral and polar, with cysteine, which is neutral and slightly polar, at codon 3814 of the SYNE2 protein (p.Tyr3814Cys). This variant is present in population databases (rs780583186, gnomAD 0.01%). This variant has not been reported in the literature in individuals affected with SYNE2-related conditions. ClinVar contains an entry for this variant (Variation ID: 470917). Algorithms developed to predict the effect of missense changes on protein structure and function output the following: SIFT: "Not Available"; PolyPhen-2: "Benign"; Align-GVGD: "Not Available". The cysteine amino acid residue is found in multiple mammalian species, which suggests that this missense change does not adversely affect protein function. In summary, the available evidence is currently insufficient to determine the role of this variant in disease. Therefore, it has been classified as a Variant of Uncertain Significance.